The following is an entry in ClinVar:

NM_000051.4(ATM):c.7630-13T>C

Genes: ATM (ATM serine/threonine kinase; plus strand), C11orf65 (chromosome 11 open reading frame 65; minus strand). Cytogenetic location: 11q22.3.
Variant type: single nucleotide variant.
Coding change: c.7630-13T>C on transcript NM_000051.4 (MANE Select); 13 bases into the intron before coding-DNA position 7630, T replaced by C.
Molecular consequence: intron variant.
Genome position (GRCh38, 1-based): chr11:108,331,866, T>C. VCF-style: chr11-108331866-T-C. GRCh37 (hg19) VCF-style: chr11-108202593-T-C.
Other names: c.7630-13T>C (NM_001351834.2); c.641-22795A>G (NM_001330368.2); c.*38+3354A>G (NM_001351110.2).
Identifiers: ClinVar variation 3254510 (VCV003254510.1), dbSNP rs2547280837.

ClinVar aggregate classification (germline): Likely benign (1 of 4 stars; one submission).

Conditions:
Familial cancer of breast. Also called: hereditary breast carcinoma; BREAST CANCER, FAMILIAL; Hereditary breast cancer. Identifiers: Orphanet 227535, MedGen C0346153, MONDO:0016419, OMIM 114480. Disease mechanism: loss of function.

Submission:

Myriad Genetics, Inc.
Classification: Likely benign for Familial cancer of breast. Last evaluated: 2024-06-17. Review status: criteria provided, single submitter. Criteria: Myriad Autosomal Dominant, Autosomal Recessive and X-Linked Classification Criteria (2023). Collection method: clinical testing. Allele origin: unknown.
Comment: This variant is considered likely benign. This variant is intronic and is not expected to impact mRNA splicing.